The following is an entry in ClinVar:

ClinVar aggregate classification (germline): Conflicting classifications of pathogenicity. Review status: criteria provided, conflicting classifications (1 of 4 stars). 3 submissions from 3 submitters: Uncertain significance (1); Likely benign (2). Last evaluated 2025-04-28.

Allele frequency attached by ClinVar (database versions not stated): ESP Exome Variant Server 0.00008; gnomAD exomes 0.00011 and 0.00017; ExAC 0.00012; TOPMed 0.00012; gnomAD 0.00013.
gnomAD v4.1: 266 of 1,613,972 alleles (0.016%); highest among the groups gnomAD compares: Non-Finnish European, 0.022%; no homozygotes.

Submissions (3):

Labcorp Genetics (formerly Invitae), Labcorp
Classification: Likely benign. Last evaluated: 2025-04-28. Review status: criteria provided, single submitter. Criteria: Invitae Variant Classification Sherloc (09022015). Collection method: clinical testing. Allele origin: germline.

CeGaT Center for Human Genetics Tuebingen
Classification: Likely benign. Last evaluated: 2024-05-01. Review status: criteria provided, single submitter. Criteria: CeGaT Center For Human Genetics Tuebingen Variant Classification Criteria Version 2. Collection method: clinical testing. Allele origin: germline. Affected: yes. Observed: 4 variant alleles.
Comment: FAT2: BP4, BS1

Ambry Genetics
Classification: Uncertain significance. Last evaluated: 2023-05-30. Review status: criteria provided, single submitter. Criteria: Ambry Variant Classification Scheme 2023. Collection method: clinical testing. Allele origin: germline.

NM_001447.3(FAT2):c.10666A>G (p.Thr3556Ala)

Genes: SLC36A1 (solute carrier family 36 member 1; plus strand), FAT2 (FAT atypical cadherin 2; minus strand). Cytogenetic location: 5q33.1.
Variant type: single nucleotide variant.
Coding change: c.10666A>G on transcript NM_001447.3 (MANE Select); coding-DNA position 10666, A replaced by G.
Protein change: p.Thr3556Ala; replaces threonine 3556 with alanine.
Molecular consequence: missense variant.
Genome position (GRCh38, 1-based): chr5:151,521,927, T>C on the plus strand (A>G on the coding strand, the complement: FAT2 is on the minus strand). VCF-style: chr5-151521927-T-C. GRCh37 (hg19) VCF-style: chr5-150901488-T-C.
Other names: c.10666A>G (NM_001447.2); short protein forms T3556A.
Identifiers: ClinVar variation 1077283 (VCV001077283.34), dbSNP rs200708864, ClinGen allele CA3520185.